The following is an entry in ClinVar:

ClinVar aggregate classification (germline): Uncertain significance. Review status: reviewed by expert panel (3 of 4 stars). 5 submissions from 5 submitters: Uncertain significance (1). 4 of the submissions do not count toward it. Last evaluated 2024-07-11.

Conditions:
Hereditary thrombocytopenia and hematological cancer predisposition syndrome associated with RUNX1. Also called: PLATELET DISORDER, ASPIRIN-LIKE; RUNX1 Familial Platelet Disorder with Associated Myeloid Malignancies; Familial Platelet Disorder with Propensity to Acute Myelogenous Leukemia; Familial thrombocytopenia with propensity to acute myelogenous leukemia. Identifiers: Orphanet 71290, MedGen C1832388, MeSH C563324, MONDO:0100083, OMIM 601399.
Hereditary cancer-predisposing syndrome. Also called: Tumor predisposition; Neoplastic Syndromes, Hereditary; Hereditary neoplastic syndrome; Hereditary Cancer Syndrome. Identifiers: Orphanet 140162, MedGen C0027672, MeSH D009386, MONDO:0015356.
Hereditary thrombocytopenia and hematologic cancer predisposition syndrome. Identifiers: Orphanet 71290, MedGen CN281654, MONDO:0011071.
Inborn genetic diseases. Identifiers: MedGen C0950123, MeSH D030342.
Acute myeloid leukemia (AML). Also called: Acute myeloid leukemia, adult; AML adult; Acute non-lymphocytic leukemia; Acute granulocytic leukemia; Leukemia, acute myeloid, somatic; Leukemia, acute myelogenous, somatic. Identifiers: Orphanet 519, MedGen C0023467, MeSH D015470, MONDO:0018874, OMIM 601626, HP:0004808. Disease mechanism: Constitutively activated FLT3.

Allele frequency attached by ClinVar (database versions not stated): gnomAD exomes 0.00001.
gnomAD v4.1: 10 of 1,606,542 alleles (0.00062%); highest among the groups gnomAD compares: South Asian, 0.0011%; no homozygotes.

Submissions (5):

ClinGen Myeloid Malignancy Variant Curation Expert Panel
Classification: Uncertain significance for Hereditary thrombocytopenia and hematologic cancer predisposition syndrome. Last evaluated: 2024-07-11. Review status: reviewed by expert panel. Criteria: ClinGen MyeloMalig ACMG Specifications v2. Collection method: curation. Allele origin: germline. Inheritance: Autosomal dominant inheritance.
Comment: NM_001754.5(RUNX1):c.1013C>T (p.Ala338Val) is a missense variant has a REVEL score ≤0.50 (0.08) and a SpliceAI score ≤ 0.20 (0.00) (BP4). This variant is not present in population databases (gnomAD v2.1 or v3.1.2) (PM2_supporting). In summary, the clinical significance of this variant is uncertain. ACMG/AMP criteria applied, as specified by the Myeloid Malignancy Variant Curation Expert Panel for RUNX1: BP4, PM2_supporting.

Ambry Genetics
Classification: Likely benign for Inborn genetic diseases. Last evaluated: 2025-07-22. Review status: criteria provided, single submitter. Criteria: Ambry Variant Classification Scheme 2023. Collection method: clinical testing. Allele origin: germline. Not counted in ClinVar's aggregate classification.

Labcorp Genetics (formerly Invitae), Labcorp
Classification: Uncertain significance for Hereditary thrombocytopenia and hematological cancer predisposition syndrome associated with RUNX1. Last evaluated: 2024-11-19. Review status: criteria provided, single submitter. Criteria: Invitae Variant Classification Sherloc (09022015). Collection method: clinical testing. Allele origin: germline. Not counted in ClinVar's aggregate classification.
Comment: This sequence change replaces alanine, which is neutral and non-polar, with valine, which is neutral and non-polar, at codon 338 of the RUNX1 protein (p.Ala338Val). This variant is not present in population databases (gnomAD no frequency). This missense change has been observed in individual(s) with Rosai Dorfman disease (PMID: 31876204). ClinVar contains an entry for this variant (Variation ID: 860286). Invitae Evidence Modeling of protein sequence and biophysical properties (such as structural, functional, and spatial information, amino acid conservation, physicochemical variation, residue mobility, and thermodynamic stability) has been performed for this missense variant. However, the output from this modeling did not meet the statistical confidence thresholds required to predict the impact of this variant on RUNX1 protein function. In summary, the available evidence is currently insufficient to determine the role of this variant in disease. Therefore, it has been classified as a Variant of Uncertain Significance.

Baylor Genetics
Classification: Uncertain significance for Acute myeloid leukemia. Last evaluated: 2023-05-26. Review status: criteria provided, single submitter. Criteria: ACMG Guidelines, 2015. Collection method: clinical testing. Allele origin: unknown. Not counted in ClinVar's aggregate classification.

Sema4
Classification: Uncertain significance for Hereditary cancer-predisposing syndrome. Last evaluated: 2021-05-21. Review status: criteria provided, single submitter. Criteria: Sema4 Curation Guidelines. Collection method: curation. Allele origin: germline. Not counted in ClinVar's aggregate classification.
Comment: The RUNX1 c.1013C>T (p.A338V) variant has been reported in at least one individual with Rosai Dorfman disease (PMID: 31876204). It was not observed in the large and broad cohorts of the Genome Aggregation Database (PMID: 32461654). The variant has been reported in ClinVar (Variation ID 860286). In silico tools suggest the impact of the variant on protein function is benign, though these predictions have not been confirmed by functional studies. The evidence is insufficient to meet ACMG/AMP criteria for classifying the variant as benign or pathogenic. Thus, the clinical significance of this variant is currently uncertain.

Literature cited by the submitters: PubMed 31876204 (cited by Labcorp Genetics (formerly Invitae), Labcorp and Sema4).

NM_001754.5(RUNX1):c.1013C>T (p.Ala338Val)

Gene: RUNX1 (RUNX family transcription factor 1; minus strand). Cytogenetic location: 21q22.12.
Variant type: single nucleotide variant.
Coding change: c.1013C>T on transcript NM_001754.5 (MANE Select); coding-DNA position 1013, C replaced by T.
Protein change: p.Ala338Val; replaces alanine 338 with valine.
Molecular consequence: missense variant.
Genome position (GRCh38, 1-based): chr21:34,792,565, G>A on the plus strand (C>T on the coding strand, the complement: RUNX1 is on the minus strand). VCF-style: chr21-34792565-G-A. GRCh37 (hg19) VCF-style: chr21-36164862-G-A.
Other names: NM_001754.5(RUNX1):c.1013C>T; p.Ala338Val; c.932C>T, p.Ala311Val (NM_001001890.3); short protein forms A311V, A338V.
Identifiers: ClinVar variation 860286 (VCV000860286.12), dbSNP rs1273605678, ClinGen allele CA410148597.